The following is an entry in ClinVar:

ClinVar aggregate classification (germline): Uncertain significance. Review status: criteria provided, multiple submitters, no conflicts (2 of 4 stars). 3 submissions from 3 submitters: Uncertain significance (3). Last evaluated 2022-02-07.

Conditions:
Early-onset myopathy with fatal cardiomyopathy (CMYO5). Also called: Salih Myopathy; CONGENITAL MYOPATHY 5 WITH CARDIOMYOPATHY. Identifiers: Orphanet 289377, MedGen C2673677, MONDO:0012714, OMIM 611705. Disease mechanism: loss of function.
Hypertrophic cardiomyopathy 9. Also called: Familial hypertrophic cardiomyopathy 9. Identifiers: MedGen C1861065, MONDO:0013412, OMIM 613765.
Myopathy, myofibrillar, 9, with early respiratory failure (MFM9). Also called: Hereditary myopathy with early respiratory failure; EDSTROM MYOPATHY; MYOPATHY, PROXIMAL, WITH EARLY RESPIRATORY MUSCLE INVOLVEMENT; Myopathy, distal, with early respiratory failure, autosomal dominant. Identifiers: Orphanet 178464, Orphanet 34521, MedGen C1863599, MONDO:0011362, OMIM 603689.
Tibial muscular dystrophy (TMD). Also called: Tibial muscular dystrophy, tardive; UDD MYOPATHY; Udd Distal Myopathy – Tibial Muscular Dystrophy. Identifiers: Orphanet 609, MedGen C1838244, MONDO:0010870, OMIM 600334.
Dilated cardiomyopathy 1G (CMD1G). Identifiers: Orphanet 154, MedGen C1858763, MONDO:0011400, OMIM 604145.
Autosomal recessive limb-girdle muscular dystrophy type 2J (LGMDR10). Also called: Limb-girdle muscular dystrophy, type 2J; MUSCULAR DYSTROPHY, LIMB-GIRDLE, AUTOSOMAL RECESSIVE 10. Identifiers: Orphanet 140922, MedGen C1837342, MONDO:0012127, OMIM 608807.
Cardiovascular phenotype. Identifiers: MedGen CN230736.

Allele frequency attached by ClinVar (database versions not stated): TOPMed below 0.00001.

Submissions (3):

Fulgent Genetics
Classification: Uncertain significance for Tibial muscular dystrophy; Myopathy, myofibrillar, 9, with early respiratory failure; Dilated cardiomyopathy 1G; Autosomal recessive limb-girdle muscular dystrophy type 2J; Early-onset myopathy with fatal cardiomyopathy; Hypertrophic cardiomyopathy 9. Last evaluated: 2022-02-07. Review status: criteria provided, single submitter. Criteria: ACMG Guidelines, 2015. Collection method: clinical testing. Allele origin: unknown.

Labcorp Genetics (formerly Invitae), Labcorp
Classification: Uncertain significance for Dilated cardiomyopathy 1G; Autosomal recessive limb-girdle muscular dystrophy type 2J. Last evaluated: 2021-06-14. Review status: criteria provided, single submitter. Criteria: Invitae Variant Classification Sherloc (09022015). Collection method: clinical testing. Allele origin: germline.
Comment: In summary, the available evidence is currently insufficient to determine the role of this variant in disease. Therefore, it has been classified as a Variant of Uncertain Significance. Nucleotide substitutions within the consensus splice site are a relatively common cause of aberrant splicing (PMID: 17576681, 9536098). Algorithms developed to predict the effect of sequence changes on RNA splicing suggest that this variant may disrupt the consensus splice site, but this prediction has not been confirmed by published transcriptional studies. This variant is located in the I band of TTN (PMID: 25589632). Variants in this region may be relevant for neuromuscular disorders, but have not been definitively shown to cause cardiomyopathy (PMID: 23975875). This variant has been observed in individual(s) with dilated cardiomyopathy (PMID: 31737537). This variant is not present in population databases (ExAC no frequency). This sequence change falls in intron 239 of the TTN gene. It does not directly change the encoded amino acid sequence of the TTN protein. It affects a nucleotide within the consensus splice site of the intron.

Ambry Genetics
Classification: Uncertain significance for Cardiovascular phenotype. Last evaluated: 2019-11-20. Review status: criteria provided, single submitter. Criteria: Ambry Variant Classification Scheme 2023. Collection method: clinical testing. Allele origin: germline.
Comment: The c.17086+5G>A intronic variant results from a G to A substitution 5 nucleotides after coding exon 66 in the TTN gene. This nucleotide position is highly conserved in available vertebrate species. Using the BDGP and ESEfinder splice site prediction tools, this alteration is predicted to weaken the efficiency of the native splice donor site; however, direct evidence is unavailable. Since supporting evidence is limited at this time, the clinical significance of this alteration remains unclear.

Literature cited by the submitters: PubMed 17576681 (cited by Labcorp Genetics (formerly Invitae), Labcorp); PubMed 9536098 (cited by Labcorp Genetics (formerly Invitae), Labcorp); PubMed 25589632 (cited by Labcorp Genetics (formerly Invitae), Labcorp); PubMed 23975875 (cited by Labcorp Genetics (formerly Invitae), Labcorp); PubMed 31737537 (cited by Labcorp Genetics (formerly Invitae), Labcorp).

NM_001267550.2(TTN):c.44281+5G>A

Gene: TTN (titin; minus strand). Cytogenetic location: 2q31.2.
Variant type: single nucleotide variant.
Coding change: c.44281+5G>A on transcript NM_001267550.2 (MANE Select); 5 bases into the intron after coding-DNA position 44281, G replaced by A.
Molecular consequence: intron variant.
Genome position (GRCh38, 1-based): chr2:178,630,236, C>T on the plus strand (G>A on the coding strand, the complement: TTN is on the minus strand). VCF-style: chr2-178630236-C-T. GRCh37 (hg19) VCF-style: chr2-179494963-C-T.
Other names: c.17086+5G>A (NM_003319.4); c.17662+5G>A (NM_133437.4); c.17461+5G>A (NM_133432.3); c.36577+5G>A (NM_133378.4); c.39358+5G>A (NM_001256850.1).
Identifiers: ClinVar variation 1463199 (VCV001463199.11), dbSNP rs2059634223, ClinGen allele CA1310555892.